The following is an entry in ClinVar:

NM_001039141.3(TRIOBP):c.5846C>T (p.Ser1949Leu)

Gene: TRIOBP (TRIO and F-actin binding protein; plus strand). Cytogenetic location: 22q13.1.
Variant type: single nucleotide variant.
Coding change: c.5846C>T on transcript NM_001039141.3 (MANE Select); coding-DNA position 5846, C replaced by T.
Protein change: p.Ser1949Leu; replaces serine 1949 with leucine.
Molecular consequence: missense variant.
Genome position (GRCh38, 1-based): chr22:37,757,771, C>T. VCF-style: chr22-37757771-C-T. GRCh37 (hg19) VCF-style: chr22-38153778-C-T.
Other names: c.707C>T, p.Ser236Leu (NM_007032.5, NM_138632.2); c.5846C>T (NM_001039141.2); short protein forms S1949L, S236L.
Identifiers: ClinVar variation 1802517 (VCV001802517.5), dbSNP rs764240811, ClinGen allele CA10224828.

ClinVar aggregate classification (germline): Uncertain significance. Review status: criteria provided, multiple submitters, no conflicts (2 of 4 stars). 2 submissions from 2 submitters: Uncertain significance (2). Last evaluated 2026-06-16.

Conditions:
Inborn genetic diseases. Identifiers: MedGen C0950123, MeSH D030342.
TRIOBP-related hearing loss.

Allele frequency attached by ClinVar (database versions not stated): gnomAD 0.00002; TOPMed 0.00006.

Submissions (2):

GeneDx
Classification: Uncertain significance. Last evaluated: 2026-06-16. Review status: criteria provided, single submitter. Criteria: GeneDx Variant Classification Process June 2021. Collection method: clinical testing. Allele origin: germline.
Comment: Not observed at significant frequency in large population cohorts (gnomAD); In silico analysis supports that this missense variant has a deleterious effect on protein structure/function; Has not been previously published as pathogenic or benign to our knowledge

Ambry Genetics
Classification: Uncertain significance for Inborn genetic diseases. Last evaluated: 2025-04-18. Review status: criteria provided, single submitter. Criteria: Ambry Variant Classification Scheme 2023. Collection method: clinical testing. Allele origin: germline.